The following is an entry in ClinVar:

ClinVar aggregate classification (germline): Likely benign (1 of 4 stars; one submission).

Submission:

Mayo Clinic Laboratories, Mayo Clinic
Classification: Likely benign. Last evaluated: 2025-05-20. Review status: criteria provided, single submitter. Criteria: ACMG Guidelines, 2015. Collection method: clinical testing. Allele origin: germline. Observed: 1 variant allele.
Comment: BP4, BP7

NM_001374736.1(DST):c.15091C>T (p.Leu5031=)

Gene: DST (dystonin; minus strand). Cytogenetic location: 6p12.1.
Variant type: single nucleotide variant.
Coding change: c.15091C>T on transcript NM_001374736.1 (MANE Select); coding-DNA position 15091, C replaced by T.
Protein change: p.Leu5031=; no amino-acid change (leucine 5031 retained).
Molecular consequence: synonymous variant.
Genome position (GRCh38, 1-based): chr6:56,555,390, G>A on the plus strand (C>T on the coding strand, the complement: DST is on the minus strand). VCF-style: chr6-56555390-G-A. GRCh37 (hg19) VCF-style: chr6-56420188-G-A.
Other names: p.Leu2408=; c.8200C>T, p.Leu2734= (NM_001374730.1, NM_001386100.1, NM_183380.4); c.15118C>T, p.Leu5040= (NM_001374734.1); c.7222C>T, p.Leu2408= (NM_015548.5); c.15091C>T, p.Leu5031= (NM_001374722.1); c.14458C>T, p.Leu4820= (NM_001374729.1); c.8734C>T, p.Leu2912= (NM_001144769.5); c.8320C>T, p.Leu2774= (NM_001144770.2).
Identifiers: ClinVar variation 4683199 (VCV004683199.1).